The following is an entry in ClinVar:

ClinVar aggregate classification (germline): Uncertain significance (1 of 4 stars; one submission).

Conditions:
Neurofibromatosis, type 1 (NF1). Also called: NEUROFIBROMATOSIS, TYPE I, SOMATIC; VON RECKLINGHAUSEN DISEASE; Peripheral type neurofibromatosis; Neurofibromatosis, type I. Identifiers: Orphanet 636, MedGen C0027831, MONDO:0018975, OMIM 162200. Disease mechanism: loss of function.

Submission:

Labcorp Genetics (formerly Invitae), Labcorp
Classification: Uncertain significance for Neurofibromatosis, type 1. Last evaluated: 2022-03-13. Review status: criteria provided, single submitter. Criteria: Invitae Variant Classification Sherloc (09022015). Collection method: clinical testing. Allele origin: germline.
Comment: Advanced modeling of protein sequence and biophysical properties (such as structural, functional, and spatial information, amino acid conservation, physicochemical variation, residue mobility, and thermodynamic stability) performed at Invitae indicates that this missense variant is expected to disrupt NF1 protein function. In summary, the available evidence is currently insufficient to determine the role of this variant in disease. Therefore, it has been classified as a Variant of Uncertain Significance. This variant has not been reported in the literature in individuals affected with NF1-related conditions. This variant is not present in population databases (gnomAD no frequency). This sequence change replaces proline, which is neutral and non-polar, with leucine, which is neutral and non-polar, at codon 1583 of the NF1 protein (p.Pro1583Leu).

NM_001042492.3(NF1):c.4811C>T (p.Pro1604Leu)

Gene: NF1 (neurofibromin 1; plus strand). Cytogenetic location: 17q11.2.
Variant type: single nucleotide variant.
Coding change: c.4811C>T on transcript NM_001042492.3 (MANE Select); coding-DNA position 4811, C replaced by T.
Protein change: p.Pro1604Leu; replaces proline 1604 with leucine.
Molecular consequence: missense variant.
Genome position (GRCh38, 1-based): chr17:31,265,315, C>T. VCF-style: chr17-31265315-C-T. GRCh37 (hg19) VCF-style: chr17-29592333-C-T.
Other names: c.4748C>T, p.Pro1583Leu (NM_000267.4); short protein forms P1604L, P1583L.
Identifiers: ClinVar variation 1463550 (VCV001463550.8), dbSNP rs2067766742, ClinGen allele CA399001341.